The following is an entry in ClinVar:

ClinVar aggregate classification (germline): Uncertain significance (1 of 4 stars; one submission).

Conditions:
Cardiovascular phenotype. Identifiers: MedGen CN230736.
Hereditary cancer-predisposing syndrome. Also called: Neoplastic Syndromes, Hereditary; Tumor predisposition; Hereditary Cancer Syndrome; Hereditary neoplastic syndrome. Identifiers: Orphanet 140162, MedGen C0027672, MeSH D009386, MONDO:0015356.

Submission:

Ambry Genetics
Classification: Uncertain significance for Cardiovascular phenotype; Hereditary cancer-predisposing syndrome. Last evaluated: 2022-08-30. Review status: criteria provided, single submitter. Criteria: Ambry Variant Classification Scheme 2023. Collection method: clinical testing. Allele origin: germline.
Comment: The p.Q577H variant (also known as c.1731G>C), located in coding exon 15 of the LZTR1 gene, results from a G to C substitution at nucleotide position 1731. The glutamine at codon 577 is replaced by histidine, an amino acid with highly similar properties. This amino acid position is conserved. In addition, this alteration is predicted to be tolerated by in silico analysis. Since supporting evidence is limited at this time, the clinical significance of this alteration remains unclear.

NM_006767.4(LZTR1):c.1731G>C (p.Gln577His)

Gene: LZTR1 (leucine zipper like post translational regulator 1; plus strand). Cytogenetic location: 22q11.21.
Variant type: single nucleotide variant.
Coding change: c.1731G>C on transcript NM_006767.4 (MANE Select); coding-DNA position 1731, G replaced by C.
Protein change: p.Gln577His; replaces glutamine 577 with histidine.
Molecular consequence: missense variant.
Genome position (GRCh38, 1-based): chr22:20,994,673, G>C. VCF-style: chr22-20994673-G-C. GRCh37 (hg19) VCF-style: chr22-21348962-G-C.
Other names: short protein forms Q577H.
Identifiers: ClinVar variation 1778999 (VCV001778999.2), dbSNP rs2518621915, ClinGen allele CA410778123.